The following is an entry in ClinVar:

NM_001389.5(DSCAM):c.5115G>A (p.Thr1705=)

Gene: DSCAM (DS cell adhesion molecule; minus strand). Cytogenetic location: 21q22.2.
Variant type: single nucleotide variant.
Coding change: c.5115G>A on transcript NM_001389.5 (MANE Select); coding-DNA position 5115, G replaced by A.
Protein change: p.Thr1705=; no amino-acid change (threonine 1705 retained).
Molecular consequence: synonymous variant. On other transcripts: non-coding transcript variant (1).
Genome position (GRCh38, 1-based): chr21:40,052,028, C>T on the plus strand (G>A on the coding strand, the complement: DSCAM is on the minus strand). VCF-style: chr21-40052028-C-T. GRCh37 (hg19) VCF-style: chr21-41423955-C-T.
Other names: c.5115G>A, p.Thr1705= (NM_001271534.3); c.*208G>A (NM_206887.1).
Identifiers: ClinVar variation 3040760 (VCV003040760.4), dbSNP rs201772634, ClinGen allele CA10030399.

ClinVar aggregate classification (germline): Likely benign. Review status: criteria provided, single submitter (1 of 4 stars). 2 submissions from 2 submitters: Likely benign (1). 1 of the submissions does not count toward it. Last evaluated 2026-06-01.

Conditions:
DSCAM-related disorder. Also called: DSCAM-related condition.

Allele frequency attached by ClinVar (database versions not stated): TOPMed 0.00006; ExAC 0.00007; gnomAD 0.00007; 1000 Genomes Project 30x 0.00031; 1000 Genomes Project 0.00040.
gnomAD v4.1: 53 of 1,614,160 alleles (0.0033%); highest among the groups gnomAD compares: African/African-American, 0.029%; no homozygotes.

Submissions (2):

CeGaT Center for Human Genetics Tuebingen
Classification: Likely benign. Last evaluated: 2026-06-01. Review status: criteria provided, single submitter. Criteria: CeGaT Center For Human Genetics Tuebingen Variant Classification Criteria Version 2. Collection method: clinical testing. Allele origin: germline. Affected: yes. Observed: 1 variant allele.
Comment: DSCAM: BP4, BP7

PreventionGenetics, part of Exact Sciences
Classification: Likely benign for DSCAM-related condition. Last evaluated: 2019-09-18. Review status: no assertion criteria provided. Collection method: clinical testing. Allele origin: germline. Not counted in ClinVar's aggregate classification.
Comment: This variant is classified as likely benign based on ACMG/AMP sequence variant interpretation guidelines (Richards et al. 2015 PMID: 25741868, with internal and published modifications).